The following is an entry in ClinVar:

ClinVar aggregate classification (germline): Uncertain significance. Review status: criteria provided, multiple submitters, no conflicts (2 of 4 stars). 2 submissions from 2 submitters: Uncertain significance (2). Last evaluated 2026-09-14.

Conditions:
Hereditary cancer-predisposing syndrome. Also called: Hereditary Cancer Syndrome; Hereditary neoplastic syndrome; Neoplastic Syndromes, Hereditary; Tumor predisposition. Identifiers: Orphanet 140162, MedGen C0027672, MeSH D009386, MONDO:0015356.
Tuberous sclerosis 1 (TSC1). Identifiers: Orphanet 805, MedGen C1854465, MONDO:0008612, OMIM 191100.

Submissions (2):

Ambry Genetics
Classification: Uncertain significance for Hereditary cancer-predisposing syndrome. Last evaluated: 2026-09-14. Review status: criteria provided, single submitter. Criteria: Ambry Variant Classification Scheme 2023. Collection method: clinical testing. Allele origin: germline.
Comment: The p.Q906P variant (also known as c.2717A>C), located in coding exon 19 of the TSC1 gene, results from an A to C substitution at nucleotide position 2717. The glutamine at codon 906 is replaced by proline, an amino acid with similar properties. This amino acid position is highly conserved in available vertebrate species. In addition, this alteration is predicted to be deleterious by in silico analysis. Based on the available evidence, the clinical significance of this variant remains unclear.

Labcorp Genetics (formerly Invitae), Labcorp
Classification: Uncertain significance for Tuberous sclerosis 1. Last evaluated: 2024-06-12. Review status: criteria provided, single submitter. Criteria: Invitae Variant Classification Sherloc (09022015). Collection method: clinical testing. Allele origin: germline.
Comment: This sequence change replaces glutamine, which is neutral and polar, with proline, which is neutral and non-polar, at codon 906 of the TSC1 protein (p.Gln906Pro). This variant is not present in population databases (gnomAD no frequency). This variant has not been reported in the literature in individuals affected with TSC1-related conditions. ClinVar contains an entry for this variant (Variation ID: 1795118). Advanced modeling of protein sequence and biophysical properties (such as structural, functional, and spatial information, amino acid conservation, physicochemical variation, residue mobility, and thermodynamic stability) performed at Invitae indicates that this missense variant is not expected to disrupt TSC1 protein function with a negative predictive value of 95%. In summary, the available evidence is currently insufficient to determine the role of this variant in disease. Therefore, it has been classified as a Variant of Uncertain Significance.

NM_000368.5(TSC1):c.2717A>C (p.Gln906Pro)

Gene: TSC1 (TSC complex subunit 1; minus strand). Cytogenetic location: 9q34.13.
Variant type: single nucleotide variant.
Coding change: c.2717A>C on transcript NM_000368.5 (MANE Select); coding-DNA position 2717, A replaced by C.
Protein change: p.Gln906Pro; replaces glutamine 906 with proline.
Molecular consequence: missense variant.
Genome position (GRCh38, 1-based): chr9:132,897,519, T>G on the plus strand (A>C on the coding strand, the complement: TSC1 is on the minus strand). VCF-style: chr9-132897519-T-G. GRCh37 (hg19) VCF-style: chr9-135772906-T-G.
Other names: c.2714A>C, p.Gln905Pro (NM_001162426.2, NM_001406597.1, NM_001406598.1 and 2 more transcripts); c.2564A>C, p.Gln855Pro (NM_001162427.2, NM_001406610.1); c.2354A>C, p.Gln785Pro (NM_001362177.2, NM_001406614.1, NM_001406615.1 and 4 more transcripts); c.2717A>C, p.Gln906Pro (NM_001406592.1, NM_001406593.1, NM_001406594.1 and 2 more transcripts); c.2699A>C, p.Gln900Pro (NM_001406603.1, NM_001406604.1); c.2675A>C, p.Gln892Pro (NM_001406605.1, NM_001406606.1, NM_001406607.1); c.2672A>C, p.Gln891Pro (NM_001406608.1, NM_001406609.1); c.2561A>C, p.Gln854Pro (NM_001406611.1, NM_001406612.1); and 8 more; short protein forms Q589P, Q784P, Q855P, Q891P, Q905P, Q770P, Q785P, Q840P.
Identifiers: ClinVar variation 1795118 (VCV001795118.5), dbSNP rs1588290647, ClinGen allele CA375369364.
Genomic context (GRCh38, chr9:132,897,519, plus strand): 5'-TGTTCCAAAAGAAGGTGGTCTTTCTTGGCCAGGTGAGATTCCAGTTCCAAAATCCGTTTT[T>G]GGGAGGTATCAAGCCTCTGAGTCTGCTGGAGAACATGGCTTCTGTTTTTTTCTAGCTCTT-3'
Protein context (NP_000359.1, residues 896-916): LQQTQRLDTS[Gln906Pro]KRILELESHL